The following is an entry in ClinVar:

ClinVar aggregate classification (germline): Uncertain significance (1 of 4 stars; one submission).

Conditions:
Menkes kinky-hair syndrome (MNK). Also called: Copper transport disease; Menkes Disease; Classic Menkes Disease. Identifiers: Orphanet 565, MedGen C0022716, MONDO:0010651, OMIM 309400.
Cutis laxa, X-linked (OHS). Also called: EDS IX; Occipital horn syndrome. Identifiers: Orphanet 198, MedGen C0268353, MONDO:0010572, OMIM 304150.
X-linked distal spinal muscular atrophy type 3. Also called: SPINAL MUSCULAR ATROPHY, DISTAL, X-LINKED RECESSIVE; NEURONOPATHY, DISTAL HEREDITARY MOTOR, X-LINKED; NEUROPATHY, DISTAL HEREDITARY MOTOR, X-LINKED; ATP7A-Related Distal Motor Neuropathy. Identifiers: Orphanet 139557, MedGen C1845359, MONDO:0010338, OMIM 300489.

Allele frequency attached by ClinVar (database versions not stated): gnomAD 0.00001; TOPMed 0.00001.

Submission:

Labcorp Genetics (formerly Invitae), Labcorp
Classification: Uncertain significance for X-linked distal spinal muscular atrophy type 3; Cutis laxa, X-linked; Menkes kinky-hair syndrome. Last evaluated: 2025-02-06. Review status: criteria provided, single submitter. Criteria: Invitae Variant Classification Sherloc (09022015). Collection method: clinical testing. Allele origin: germline.
Comment: This sequence change replaces tyrosine, which is neutral and polar, with cysteine, which is neutral and slightly polar, at codon 940 of the ATP7A protein (p.Tyr940Cys). This variant is present in population databases (no rsID available, gnomAD 0.004%). This variant has not been reported in the literature in individuals affected with ATP7A-related conditions. ClinVar contains an entry for this variant (Variation ID: 2155709). Invitae Evidence Modeling of protein sequence and biophysical properties (such as structural, functional, and spatial information, amino acid conservation, physicochemical variation, residue mobility, and thermodynamic stability) has been performed for this missense variant. However, the output from this modeling did not meet the statistical confidence thresholds required to predict the impact of this variant on ATP7A protein function. In summary, the available evidence is currently insufficient to determine the role of this variant in disease. Therefore, it has been classified as a Variant of Uncertain Significance.

NM_000052.7(ATP7A):c.2819A>G (p.Tyr940Cys)

Gene: ATP7A (ATPase copper transporting alpha; plus strand). Cytogenetic location: Xq21.1.
Variant type: single nucleotide variant.
Coding change: c.2819A>G on transcript NM_000052.7 (MANE Select); coding-DNA position 2819, A replaced by G.
Protein change: p.Tyr940Cys; replaces tyrosine 940 with cysteine.
Molecular consequence: missense variant.
Genome position (GRCh38, 1-based): chrX:78,020,982, A>G. VCF-style: chrX-78020982-A-G. GRCh37 (hg19) VCF-style: chrX-77276479-A-G.
Other names: c.2585A>G, p.Tyr862Cys (NM_001282224.2); short protein forms Y940C, Y862C.
Identifiers: ClinVar variation 2155709 (VCV002155709.4), dbSNP rs1557235711, ClinGen allele CA413602771.